The following is an entry in ClinVar:

ClinVar aggregate classification (germline): Benign/Likely benign. Review status: criteria provided, multiple submitters, no conflicts (2 of 4 stars). 3 submissions from 3 submitters: Benign (2); Likely benign (1). Last evaluated 2026-09-01.

Allele frequency attached by ClinVar (database versions not stated): gnomAD 0.00823; gnomAD exomes 0.01109; 1000 Genomes Project 30x 0.00453; TOPMed 0.00673; 1000 Genomes Project 0.00499.
gnomAD v4.1: 5,017 of 496,200 alleles (1%); highest among the groups gnomAD compares: Middle Eastern, 2.2%; 35 homozygotes.

Submissions (3):

CeGaT Center for Human Genetics Tuebingen
Classification: Benign. Last evaluated: 2026-09-01. Review status: criteria provided, single submitter. Criteria: CeGaT Center For Human Genetics Tuebingen Variant Classification Criteria Version 2. Collection method: clinical testing. Allele origin: germline. Affected: yes. Observed: 54 variant alleles.
Comment: GOSR2: BS1, BS2

ARUP Laboratories, Molecular Genetics and Genomics, ARUP Laboratories
Classification: Benign. Last evaluated: 2025-04-30. Review status: criteria provided, single submitter. Criteria: ARUP Molecular Germline Variant Investigation Process 2024. Collection method: clinical testing. Allele origin: germline.

Blueprint Genetics
Classification: Likely benign. Last evaluated: 2024-11-27. Review status: criteria provided, single submitter. Criteria: ACMG Guidelines, 2015. Collection method: clinical testing. Allele origin: germline.

NC_000017.11:g.46966700A>G

Genes: GOSR2 (golgi SNAP receptor complex member 2; plus strand), LRRC37A2 (leucine rich repeat containing 37 member A2). Cytogenetic location: 17q21.32.
Variant type: single nucleotide variant.
Molecular consequence: synonymous variant (on NM_001321133.2). On other transcripts: non-coding transcript variant (3).
Genome position: GRCh38 VCF-style: chr17-46966700-A-G. GRCh37 (hg19) VCF-style: chr17-45044066-A-G.
Other names: c.750A>G, p.Leu250= (NM_001321133.2).
Identifiers: ClinVar variation 2582959 (VCV002582959.26), dbSNP rs76094883, ClinGen allele CA8621424.
Genomic context (GRCh38, chr17:46,966,700, plus strand): 5'-CCCTGACCTCCAAATACCTTTTGAACTCAGGCTTGGATTTGAACTCTGGTTCTATCAACT[A>G]TTAGCTGTGATTTCAGATCAGTGACTTGAGCAATTTGTGCCTTGTTTCATTAAGTGGAGA-3'